The following is an entry in ClinVar:

ClinVar aggregate classification (germline): Uncertain significance (1 of 4 stars; one submission).

Conditions:
Mitochondrial complex II deficiency, nuclear type 1. Also called: SUCCINATE CoQ REDUCTASE DEFICIENCY. Identifiers: Orphanet 3208, MedGen C5700310, MONDO:0100294, OMIM 252011.
Pheochromocytoma/paraganglioma syndrome 5. Also called: Paragangliomas 5; SDHA-Related Hereditary Paraganglioma-Pheochromocytoma Syndrome. Identifiers: Orphanet 29072, MedGen C3279992, MONDO:0013602, OMIM 614165.

Submission:

Labcorp Genetics (formerly Invitae), Labcorp
Classification: Uncertain significance for Pheochromocytoma/paraganglioma syndrome 5; Mitochondrial complex II deficiency, nuclear type 1. Last evaluated: 2024-09-25. Review status: criteria provided, single submitter. Criteria: Invitae Variant Classification Sherloc (09022015). Collection method: clinical testing. Allele origin: germline.
Comment: This sequence change replaces alanine, which is neutral and non-polar, with proline, which is neutral and non-polar, at codon 466 of the SDHA protein (p.Ala466Pro). This variant is not present in population databases (gnomAD no frequency). This variant has not been reported in the literature in individuals affected with SDHA-related conditions. ClinVar contains an entry for this variant (Variation ID: 1722152). Invitae Evidence Modeling of protein sequence and biophysical properties (such as structural, functional, and spatial information, amino acid conservation, physicochemical variation, residue mobility, and thermodynamic stability) has been performed for this missense variant. However, the output from this modeling did not meet the statistical confidence thresholds required to predict the impact of this variant on SDHA protein function. In summary, the available evidence is currently insufficient to determine the role of this variant in disease. Therefore, it has been classified as a Variant of Uncertain Significance.

NM_004168.4(SDHA):c.1396G>C (p.Ala466Pro)

Gene: SDHA (succinate dehydrogenase complex flavoprotein subunit A; plus strand). Cytogenetic location: 5p15.33.
Variant type: single nucleotide variant.
Coding change: c.1396G>C on transcript NM_004168.4 (MANE Select); coding-DNA position 1396, G replaced by C.
Protein change: p.Ala466Pro; replaces alanine 466 with proline.
Molecular consequence: missense variant.
Genome position (GRCh38, 1-based): chr5:236,563, G>C. VCF-style: chr5-236563-G-C. GRCh37 (hg19) VCF-style: chr5-236678-G-C.
Other names: c.1252G>C, p.Ala418Pro (NM_001294332.2); c.1396G>C, p.Ala466Pro (NM_001330758.2); short protein forms A418P, A466P.
Identifiers: ClinVar variation 1722152 (VCV001722152.6), dbSNP rs111387770, ClinGen allele CA359014068.